The following is an entry in ClinVar:

ClinVar aggregate classification (germline): Benign/Likely benign. Review status: criteria provided, multiple submitters, no conflicts (2 of 4 stars). 2 submissions from 2 submitters: Benign (1); Likely benign (1). Last evaluated 2026-02-01.

Conditions:
Congenital muscular dystrophy due to integrin alpha-7 deficiency. Also called: Congenital muscular dystrophy with integrin alpha-7 deficiency; Muscular dystrophy, congenital, due to ITGA7 deficiency; MYOPATHY, CONGENITAL, DUE TO INTEGRIN ALPHA-7 DEFICIENCY. Identifiers: Orphanet 34520, MedGen C2750786, MONDO:0013177, OMIM 613204.

Allele frequency attached by ClinVar (database versions not stated): TOPMed 0.00004; ESP Exome Variant Server 0.00008; gnomAD exomes 0.00111 and 0.00050; gnomAD 0.00114 and 0.00104; 1000 Genomes Project 30x 0.00016; 1000 Genomes Project 0.00020; ExAC 0.00079.
gnomAD v4.1: 876 of 1,614,072 alleles (0.054%); highest among the groups gnomAD compares: Non-Finnish European, 0.0099%; 7 homozygotes.

Submissions (2):

CeGaT Center for Human Genetics Tuebingen
Classification: Likely benign. Last evaluated: 2026-02-01. Review status: criteria provided, single submitter. Criteria: CeGaT Center For Human Genetics Tuebingen Variant Classification Criteria Version 2. Collection method: clinical testing. Allele origin: germline. Affected: yes. Observed: 1 variant allele.
Comment: ITGA7: BS1

Labcorp Genetics (formerly Invitae), Labcorp
Classification: Benign for Congenital muscular dystrophy due to integrin alpha-7 deficiency. Last evaluated: 2025-01-19. Review status: criteria provided, single submitter. Criteria: Invitae Variant Classification Sherloc (09022015). Collection method: clinical testing. Allele origin: germline.

NM_002206.3(ITGA7):c.2401G>A (p.Val801Ile)

Genes: ITGA7 (integrin subunit alpha 7; minus strand), LOC126861535 (CDK7 strongly-dependent group 2 enhancer GRCh37_chr12:56087579-56088778; plus strand). Cytogenetic location: 12q13.2.
Variant type: single nucleotide variant.
Coding change: c.2401G>A on transcript NM_002206.3 (MANE Select); coding-DNA position 2401, G replaced by A.
Protein change: p.Val801Ile; replaces valine 801 with isoleucine.
Molecular consequence: missense variant.
Genome position (GRCh38, 1-based): chr12:55,694,287, C>T on the plus strand (G>A on the coding strand, the complement: ITGA7 is on the minus strand). VCF-style: chr12-55694287-C-T. GRCh37 (hg19) VCF-style: chr12-56088071-C-T.
Other names: c.2413G>A, p.Val805Ile (NM_001144996.2); c.2122G>A, p.Val708Ile (NM_001144997.2); c.2074G>A, p.Val692Ile (NM_001367993.1); c.1057G>A, p.Val353Ile (NM_001367994.1); c.2383G>A, p.Val795Ile (NM_001374465.1); c.2533G>A, p.Val845Ile (NM_001410977.1); c.2395G>A, p.Val799Ile (NM_001414029.1); c.2326G>A, p.Val776Ile (NM_001414030.1); and 5 more; short protein forms V353I, V692I, V708I, V795I, V801I, V805I, V845I, V688I.
Identifiers: ClinVar variation 1658435 (VCV001658435.12), dbSNP rs200397940, ClinGen allele CA6615612.
Genomic context (GRCh38, chr12:55,694,287, plus strand): 5'-ATGGAGGTGCCCCCTTGGGCCAGGCTCACCCTGCAATGGACAGTGGCAGCTCAATGAAGA[C>T]ACGGGCTCGTGCAGAGACTGGATGCAGCTCCTGCTCACTGATCCTGGTGAGTGGGCAGGG-3'
Protein context (NP_002197.2, residues 791-811): ELHPVSARAR[Val801Ile]FIELPLSIAG